The following is an entry in ClinVar:

ClinVar aggregate classification (germline): Uncertain significance (1 of 4 stars; one submission).

Conditions:
Epilepsy, familial adult myoclonic, 5 (EPEO5). Also called: CORTICAL MYOCLONIC TREMOR WITH EPILEPSY, FAMILIAL, 5. Identifiers: Orphanet 86814, MedGen C3809374, MONDO:0014167, OMIM 615400.

Allele frequency attached by ClinVar (database versions not stated): gnomAD exomes 0.00001.
gnomAD v4.1: 9 of 1,613,390 alleles (0.00056%); highest among the groups gnomAD compares: Non-Finnish European, 0.00076%; no homozygotes.

Submission:

Labcorp Genetics (formerly Invitae), Labcorp
Classification: Uncertain significance for Epilepsy, familial adult myoclonic, 5. Last evaluated: 2020-11-16. Review status: criteria provided, single submitter. Criteria: Invitae Variant Classification Sherloc (09022015). Collection method: clinical testing. Allele origin: germline.
Comment: This sequence change replaces alanine with threonine at codon 408 of the CNTN2 protein (p.Ala408Thr). The alanine residue is highly conserved and there is a small physicochemical difference between alanine and threonine. This variant is not present in population databases (ExAC no frequency). This variant has not been reported in the literature in individuals with CNTN2-related conditions. Advanced modeling of protein sequence and biophysical properties (such as structural, functional, and spatial information, amino acid conservation, physicochemical variation, residue mobility, and thermodynamic stability) performed at Invitae indicates that this missense variant is not expected to disrupt CNTN2 protein function. In summary, the available evidence is currently insufficient to determine the role of this variant in disease. Therefore, it has been classified as a Variant of Uncertain Significance.

NM_005076.5(CNTN2):c.1222G>A (p.Ala408Thr)

Gene: CNTN2 (contactin 2; plus strand). Cytogenetic location: 1q32.1.
Variant type: single nucleotide variant.
Coding change: c.1222G>A on transcript NM_005076.5 (MANE Select); coding-DNA position 1222, G replaced by A.
Protein change: p.Ala408Thr; replaces alanine 408 with threonine.
Molecular consequence: missense variant. On other transcripts: non-coding transcript variant (1).
Genome position (GRCh38, 1-based): chr1:205,062,551, G>A. VCF-style: chr1-205062551-G-A. GRCh37 (hg19) VCF-style: chr1-205031679-G-A.
Other names: c.1222G>A, p.Ala408Thr (NM_001346083.2); short protein forms A408T.
Identifiers: ClinVar variation 1465788 (VCV001465788.8), dbSNP rs1654048341, ClinGen allele CA344374620.